The following is an entry in ClinVar:

NM_033004.4(NLRP1):c.1468T>G (p.Phe490Val)

Gene: NLRP1 (NLR family pyrin domain containing 1; minus strand). Cytogenetic location: 17p13.2.
Variant type: single nucleotide variant.
Coding change: c.1468T>G on transcript NM_033004.4 (MANE Select); coding-DNA position 1468, T replaced by G.
Protein change: p.Phe490Val; replaces phenylalanine 490 with valine.
Molecular consequence: missense variant.
Genome position (GRCh38, 1-based): chr17:5,559,228, A>C on the plus strand (T>G on the coding strand, the complement: NLRP1 is on the minus strand). VCF-style: chr17-5559228-A-C. GRCh37 (hg19) VCF-style: chr17-5462548-A-C.
Other names: c.1468T>G, p.Phe490Val (NM_001033053.3, NM_014922.5, NM_033006.4 and 1 more transcripts); short protein forms F490V.
Identifiers: ClinVar variation 2991425 (VCV002991425.3), dbSNP rs1914454152, ClinGen allele CA397385789.
Genomic context (GRCh38, chr17:5,559,228, plus strand): 5'-TTGATTTGACCAACCTAAAGGCTCTAATTGCTTGCCTTTCATCTGTGAAATATCTGTAGA[A>C]ATATTCCTTCCTGCTGGACTCAGAGAACCCCAGGACCTCTACCCAACGTGCCTGCTCCAA-3'
Protein context (NP_127497.1, residues 480-500): GFSESSRKEY[Phe490Val]YRYFTDERQA

ClinVar aggregate classification (germline): Uncertain significance (1 of 4 stars; one submission).

gnomAD v4.1: 5 of 1,614,160 alleles (0.00031%); highest among the groups gnomAD compares: Middle Eastern, 0.016%; no homozygotes.

Submission:

Labcorp Genetics (formerly Invitae), Labcorp
Classification: Uncertain significance. Last evaluated: 2025-04-30. Review status: criteria provided, single submitter. Criteria: Invitae Variant Classification Sherloc (09022015). Collection method: clinical testing. Allele origin: germline.
Comment: This sequence change replaces phenylalanine, which is neutral and non-polar, with valine, which is neutral and non-polar, at codon 490 of the NLRP1 protein (p.Phe490Val). This variant is not present in population databases (gnomAD no frequency). This variant has not been reported in the literature in individuals affected with NLRP1-related conditions. ClinVar contains an entry for this variant (Variation ID: 2991425). An algorithm developed to predict the effect of missense changes on protein structure and function (PolyPhen-2) suggests that this variant is likely to be disruptive. In summary, the available evidence is currently insufficient to determine the role of this variant in disease. Therefore, it has been classified as a Variant of Uncertain Significance.